The following is an entry in ClinVar:

NM_000459.5(TEK):c.3153G>C (p.Leu1051=)

Gene: TEK (TEK receptor tyrosine kinase; plus strand). Cytogenetic location: 9p21.2.
Variant type: single nucleotide variant.
Coding change: c.3153G>C on transcript NM_000459.5 (MANE Select); coding-DNA position 3153, G replaced by C.
Protein change: p.Leu1051=; no amino-acid change (leucine 1051 retained).
Molecular consequence: synonymous variant.
Genome position (GRCh38, 1-based): chr9:27,220,098, G>C. VCF-style: chr9-27220098-G-C. GRCh37 (hg19) VCF-style: chr9-27220096-G-C.
Other names: c.3024G>C, p.Leu1008= (NM_001290077.2); c.2709G>C, p.Leu903= (NM_001290078.2); c.3150G>C, p.Leu1050= (NM_001375475.1); c.3021G>C, p.Leu1007= (NM_001375476.1).
Identifiers: ClinVar variation 366452 (VCV000366452.5), dbSNP rs377362798, ClinGen allele CA5016760.

ClinVar aggregate classification (germline): Benign (1 of 4 stars; one submission).

Conditions:
Multiple cutaneous and mucosal venous malformations (VMCM). Also called: TEK-Related Multiple Cutaneous and Mucosal Venous Malformations (VMCM). Identifiers: Orphanet 2451, MedGen C1838437, MONDO:0010842, OMIM 600195.

Allele frequency attached by ClinVar (database versions not stated): ExAC 0.00011; gnomAD exomes 0.00007; ESP Exome Variant Server 0.00008; TOPMed 0.00004.
gnomAD v4.1: 60 of 1,613,978 alleles (0.0037%); highest among the groups gnomAD compares: Non-Finnish European, 0.0051%; no homozygotes.

Submission:

Illumina Laboratory Services, Illumina
Classification: Benign for Multiple cutaneous and mucosal venous malformations. Last evaluated: 2018-01-13. Review status: criteria provided, single submitter. Criteria: ICSL Variant Classification Criteria 13 December 2019. Collection method: clinical testing. Allele origin: germline.
Comment: This variant was observed in the ICSL laboratory as part of a predisposition screen in an ostensibly healthy population. It had not been previously curated by ICSL or reported in the Human Gene Mutation Database (HGMD: prior to June 1st, 2018), and was therefore a candidate for classification through an automated scoring system. Utilizing variant allele frequency, disease prevalence and penetrance estimates, and inheritance mode, an automated score was calculated to assess if this variant is too frequent to cause the disease. Based on the score and internal cut-off values, a variant classified as benign is not then subjected to further curation. The score for this variant resulted in a classification of benign for this disease.